The following is an entry in ClinVar:

NM_173728.4(ARHGEF15):c.935G>A (p.Gly312Glu)

Gene: ARHGEF15 (Rho guanine nucleotide exchange factor 15; plus strand). Cytogenetic location: 17p13.1.
Variant type: single nucleotide variant.
Coding change: c.935G>A on transcript NM_173728.4 (MANE Select); coding-DNA position 935, G replaced by A.
Protein change: p.Gly312Glu; replaces glycine 312 with glutamic acid.
Molecular consequence: missense variant.
Genome position (GRCh38, 1-based): chr17:8,313,501, G>A. VCF-style: chr17-8313501-G-A. GRCh37 (hg19) VCF-style: chr17-8216819-G-A.
Other names: c.935G>A (NM_173728.3); c.935G>A, p.Gly312Glu (NM_025014.2); short protein forms G312E.
Identifiers: ClinVar variation 3712142 (VCV003712142.3).
Genomic context (GRCh38, chr17:8,313,501, plus strand): 5'-GGAGTCCTGGCTGGGGATCCTGGAGTTTTTTTTTCTCTTCACTCTGGCTTCTCTCTCCAG[G>A]GGACAGTCCTGATGAAGCTCCTCAGAATACTCCTCCAGCAACTGTGGAGGGGAGGTACTG-3'
Protein context (NP_776089.2, residues 302-322): DLLSEDGIQT[Gly312Glu]DSPDEAPQNT

ClinVar aggregate classification (germline): Uncertain significance. Review status: criteria provided, multiple submitters, no conflicts (2 of 4 stars). 2 submissions from 2 submitters: Uncertain significance (2). Last evaluated 2025-11-26.

Conditions:
Early-infantile DEE. Also called: Early infantile epileptic encephalopathy; Early infantile epileptic encephalopathy with suppression bursts; Ohtahara syndrome. Identifiers: Orphanet 1934, MedGen C0393706, MONDO:0800491.

gnomAD v4.1: 3 of 1,613,230 alleles (0.00019%); highest among the groups gnomAD compares: Admixed American, 0.0033%; no homozygotes.

Submissions (2):

Ambry Genetics
Classification: Uncertain significance. Last evaluated: 2025-11-26. Review status: criteria provided, single submitter. Criteria: Ambry Variant Classification Scheme 2023. Collection method: clinical testing. Allele origin: germline.

Labcorp Genetics (formerly Invitae), Labcorp
Classification: Uncertain significance for Early-infantile DEE. Last evaluated: 2024-10-25. Review status: criteria provided, single submitter. Criteria: Invitae Variant Classification Sherloc (09022015). Collection method: clinical testing. Allele origin: germline.
Comment: This sequence change replaces glycine, which is neutral and non-polar, with glutamic acid, which is acidic and polar, at codon 312 of the ARHGEF15 protein (p.Gly312Glu). This variant is present in population databases (rs376805138, gnomAD 0.007%). This variant has not been reported in the literature in individuals affected with ARHGEF15-related conditions. An algorithm developed to predict the effect of missense changes on protein structure and function (PolyPhen-2) suggests that this variant is likely to be tolerated. In summary, the available evidence is currently insufficient to determine the role of this variant in disease. Therefore, it has been classified as a Variant of Uncertain Significance.